The following is an entry in ClinVar:

ClinVar aggregate classification (germline): Benign (1 of 4 stars; one submission).

Conditions:
Familial cancer of breast. Also called: BREAST CANCER, FAMILIAL; Hereditary breast cancer; hereditary breast carcinoma. Identifiers: Orphanet 227535, MedGen C0346153, MONDO:0016419, OMIM 114480. Disease mechanism: loss of function.

Submission:

Myriad Genetics, Inc.
Classification: Benign for Familial cancer of breast. Last evaluated: 2024-04-25. Review status: criteria provided, single submitter. Criteria: Myriad Autosomal Dominant, Autosomal Recessive and X-Linked Classification Criteria (2023). Collection method: clinical testing. Allele origin: unknown.
Comment: This variant is considered benign. This variant is a silent/synonymous amino acid change and it is not expected to impact splicing.

NM_000051.4(ATM):c.1116T>G (p.Thr372=)

Gene: ATM (ATM serine/threonine kinase; plus strand). Cytogenetic location: 11q22.3.
Variant type: single nucleotide variant.
Coding change: c.1116T>G on transcript NM_000051.4 (MANE Select); coding-DNA position 1116, T replaced by G.
Protein change: p.Thr372=; no amino-acid change (threonine 372 retained).
Molecular consequence: synonymous variant.
Genome position (GRCh38, 1-based): chr11:108,248,983, T>G. VCF-style: chr11-108248983-T-G. GRCh37 (hg19) VCF-style: chr11-108119710-T-G.
Other names: c.1116T>G, p.Thr372= (NM_001351834.2).
Identifiers: ClinVar variation 3253871 (VCV003253871.1), dbSNP rs371985921.